The following is an entry in ClinVar:

NM_000428.3(LTBP2):c.5312C>T (p.Ala1771Val)

Gene: LTBP2 (latent transforming growth factor beta binding protein 2; minus strand). Cytogenetic location: 14q24.3.
Variant type: single nucleotide variant.
Coding change: c.5312C>T on transcript NM_000428.3 (MANE Select); coding-DNA position 5312, C replaced by T.
Protein change: p.Ala1771Val; replaces alanine 1771 with valine.
Molecular consequence: missense variant.
Genome position (GRCh38, 1-based): chr14:74,501,449, G>A on the plus strand (C>T on the coding strand, the complement: LTBP2 is on the minus strand). VCF-style: chr14-74501449-G-A. GRCh37 (hg19) VCF-style: chr14-74968152-G-A.
Other names: short protein forms A1771V.
Identifiers: ClinVar variation 2766457 (VCV002766457.3), dbSNP rs2506127557, ClinGen allele CA390382195.

ClinVar aggregate classification (germline): Uncertain significance (1 of 4 stars; one submission).

Submission:

Labcorp Genetics (formerly Invitae), Labcorp
Classification: Uncertain significance. Last evaluated: 2023-10-06. Review status: criteria provided, single submitter. Criteria: Invitae Variant Classification Sherloc (09022015). Collection method: clinical testing. Allele origin: germline.
Comment: This sequence change replaces alanine, which is neutral and non-polar, with valine, which is neutral and non-polar, at codon 1771 of the LTBP2 protein (p.Ala1771Val). This variant is not present in population databases (gnomAD no frequency). This variant has not been reported in the literature in individuals affected with LTBP2-related conditions. An algorithm developed to predict the effect of missense changes on protein structure and function (PolyPhen-2) suggests that this variant is likely to be disruptive. In summary, the available evidence is currently insufficient to determine the role of this variant in disease. Therefore, it has been classified as a Variant of Uncertain Significance.